The following is an entry in ClinVar:

NM_000901.5(NR3C2):c.1939A>G (p.Ile647Val)

Gene: NR3C2 (nuclear receptor subfamily 3 group C member 2; minus strand). Cytogenetic location: 4q31.23.
Variant type: single nucleotide variant.
Coding change: c.1939A>G on transcript NM_000901.5 (MANE Select); coding-DNA position 1939, A replaced by G.
Protein change: p.Ile647Val; replaces isoleucine 647 with valine.
Molecular consequence: missense variant. On other transcripts: non-coding transcript variant (1).
Genome position (GRCh38, 1-based): chr4:148,194,821, T>C on the plus strand (A>G on the coding strand, the complement: NR3C2 is on the minus strand). VCF-style: chr4-148194821-T-C. GRCh37 (hg19) VCF-style: chr4-149115972-T-C.
Other names: c.1939A>G, p.Ile647Val (NM_001166104.2, NM_001354819.1, NM_001437654.1 and 3 more transcripts); c.1951A>G, p.Ile651Val (NM_001437657.1); short protein forms I647V, I651V.
Identifiers: ClinVar variation 4702325 (VCV004702325.1).

ClinVar aggregate classification (germline): Uncertain significance (1 of 4 stars; one submission).

Submission:

Labcorp Genetics (formerly Invitae), Labcorp
Classification: Uncertain significance. Last evaluated: 2025-12-20. Review status: criteria provided, single submitter. Criteria: Invitae Variant Classification Sherloc (09022015). Collection method: clinical testing. Allele origin: germline.
Comment: This sequence change replaces isoleucine, which is neutral and non-polar, with valine, which is neutral and non-polar, at codon 647 of the NR3C2 protein (p.Ile647Val). This variant is not present in population databases (gnomAD no frequency). This variant has not been reported in the literature in individuals affected with NR3C2-related conditions. Invitae Evidence Modeling of protein sequence and biophysical properties (such as structural, functional, and spatial information, amino acid conservation, physicochemical variation, residue mobility, and thermodynamic stability) has been performed for this missense variant. However, the output from this modeling did not meet the statistical confidence thresholds required to predict the impact of this variant on NR3C2 protein function. In summary, the available evidence is currently insufficient to determine the role of this variant in disease. Therefore, it has been classified as a Variant of Uncertain Significance.